The following is an entry in ClinVar:

ClinVar aggregate classification (germline): Benign/Likely benign. Review status: criteria provided, multiple submitters, no conflicts (2 of 4 stars). 14 submissions from 14 submitters: Benign (4); Likely benign (9). 1 of the submissions does not count toward it. Last evaluated 2026-09-01.

Conditions:
SZT2-related disorder. Also called: SZT2-related condition.
Inborn genetic diseases. Identifiers: MedGen C0950123, MeSH D030342.
Developmental and epileptic encephalopathy, 18 (DEE18). Also called: Early infantile epileptic encephalopathy 18. Identifiers: Orphanet 369894, MedGen C3809624, MONDO:0014201, OMIM 615476.

Allele frequency attached by ClinVar (database versions not stated): 1000 Genomes Project 0.00220; 1000 Genomes Project 30x 0.00250; ESP Exome Variant Server 0.00338; ExAC 0.00349; gnomAD exomes 0.00353; gnomAD 0.00357 and 0.00361; TOPMed 0.00365.
gnomAD v4.1: 8,067 of 1,614,228 alleles (0.5%); highest among the groups gnomAD compares: Non-Finnish European, 0.62%; 39 homozygotes.

Submissions (14):

CeGaT Center for Human Genetics Tuebingen
Classification: Likely benign. Last evaluated: 2026-09-01. Review status: criteria provided, single submitter. Criteria: CeGaT Center For Human Genetics Tuebingen Variant Classification Criteria Version 2. Collection method: clinical testing. Allele origin: germline. Affected: yes. Observed: 39 variant alleles.
Comment: SZT2: BS2

Labcorp Genetics (formerly Invitae), Labcorp
Classification: Benign. Last evaluated: 2026-02-03. Review status: criteria provided, single submitter. Criteria: Invitae Variant Classification Sherloc (09022015). Collection method: clinical testing. Allele origin: germline.

Blueprint Genetics
Classification: Likely benign. Last evaluated: 2024-11-22. Review status: criteria provided, single submitter. Criteria: ACMG Guidelines, 2015. Collection method: clinical testing. Allele origin: germline.

Athena Diagnostics
Classification: Likely benign. Last evaluated: 2024-01-03. Review status: criteria provided, single submitter. Criteria: Athena Diagnostics Criteria. Collection method: clinical testing. Allele origin: unknown.

Genome-Nilou Lab
Classification: Likely benign for Developmental and epileptic encephalopathy, 18. Last evaluated: 2023-04-11. Review status: criteria provided, single submitter. Criteria: ACMG Guidelines, 2015. Collection method: clinical testing. Allele origin: germline. Affected: no.

Mayo Clinic Laboratories, Mayo Clinic
Classification: Benign. Last evaluated: 2022-07-07. Review status: criteria provided, single submitter. Criteria: ACMG Guidelines, 2015. Collection method: clinical testing. Allele origin: germline. Observed: 5 variant alleles.
Comment: BS1, BS2

Fulgent Genetics
Classification: Likely benign for Developmental and epileptic encephalopathy, 18. Last evaluated: 2022-05-19. Review status: criteria provided, single submitter. Criteria: ACMG Guidelines, 2015. Collection method: clinical testing. Allele origin: unknown.

GeneDx
Classification: Benign. Last evaluated: 2019-09-03. Review status: criteria provided, single submitter. Criteria: GeneDx Variant Classification Process June 2021. Collection method: clinical testing. Allele origin: germline. Affected: yes.

Centre for Mendelian Genomics, University Medical Centre Ljubljana
Classification: Benign for Developmental and epileptic encephalopathy, 18. Last evaluated: 2019-03-30. Review status: criteria provided, single submitter. Criteria: ACMG Guidelines, 2015. Collection method: clinical testing. Allele origin: unknown. Affected: yes.
Comment: This variant was classified as: Benign. The following ACMG criteria were applied in classifying this variant: BS1,BS2.

Ambry Genetics
Classification: Likely benign for Inborn genetic diseases. Last evaluated: 2018-08-28. Review status: criteria provided, single submitter. Criteria: Ambry Variant Classification Scheme 2023. Collection method: clinical testing. Allele origin: germline.

Genetic Services Laboratory, University of Chicago
Classification: Likely benign. Last evaluated: 2017-12-18. Review status: criteria provided, single submitter. Criteria: ACMG Guidelines, 2015. Collection method: clinical testing. Allele origin: germline. Affected: no.

Center for Pediatric Genomic Medicine, Children's Mercy Hospital and Clinics
Classification: Likely benign. Last evaluated: 2017-02-15. Review status: criteria provided, single submitter. Criteria: ACMG Guidelines, 2015. Collection method: clinical testing. Allele origin: germline.
ClinVar note: Converted during submission from Likely Benign to Likely benign.

Breakthrough Genomics
Classification: Likely benign. Review status: criteria provided, single submitter. Criteria: ACMG Guidelines, 2015. Collection method: not provided. Allele origin: germline. Inheritance: Autosomal recessive inheritance. Affected: yes.

PreventionGenetics, part of Exact Sciences
Classification: Likely benign for SZT2-related condition. Last evaluated: 2019-07-17. Review status: no assertion criteria provided. Collection method: clinical testing. Allele origin: germline. Not counted in ClinVar's aggregate classification.
Comment: This variant is classified as likely benign based on ACMG/AMP sequence variant interpretation guidelines (Richards et al. 2015 PMID: 25741868, with internal and published modifications).

NM_001365999.1(SZT2):c.4531G>A (p.Val1511Ile)

Gene: SZT2 (SZT2 subunit of KICSTOR complex; plus strand). Cytogenetic location: 1p34.2.
Variant type: single nucleotide variant.
Coding change: c.4531G>A on transcript NM_001365999.1 (MANE Select); coding-DNA position 4531, G replaced by A.
Protein change: p.Val1511Ile; replaces valine 1511 with isoleucine.
Molecular consequence: missense variant.
Genome position (GRCh38, 1-based): chr1:43,430,546, G>A. VCF-style: chr1-43430546-G-A. GRCh37 (hg19) VCF-style: chr1-43896217-G-A.
Other names: p.Val1454Ile; c.4360G>A, p.Val1454Ile (NM_015284.4); short protein forms V1454I, V1511I.
Identifiers: ClinVar variation 241034 (VCV000241034.70), dbSNP rs76675748, ClinGen allele CA809323.